The following is an entry in ClinVar:

NM_001267550.2(TTN):c.87532_87538del (p.Arg29178fs)

Genes: TTN-AS1 (TTN antisense RNA 1; plus strand), TTN (titin; minus strand). Cytogenetic location: 2q31.2.
Variant type: Deletion.
Coding change: c.87532_87538del on transcript NM_001267550.2 (MANE Select); coding-DNA positions 87532 to 87538, 7 bases deleted (AGAGAAA; older notation c.87532_87538delAGAGAAA).
Protein change: p.Arg29178fs; shifts the reading frame from arginine 29178.
Molecular consequence: frameshift variant.
Genome position (GRCh38, 1-based): chr2:178,557,816-178,557,822, TTTCTCT deleted on the plus strand (AGAGAAA on the coding strand, the reverse complement: TTN is on the minus strand); deleting any 7 consecutive bases within chr2:178,557,816-178,557,825 gives the same sequence; the c. name uses the placement nearest the transcript's 3' end. VCF-style (leftmost placement, unchanged base first): chr2-178557815-GTTTCTCT-G. GRCh37 (hg19) VCF-style: chr2-179422542-GTTTCTCT-G.
Other names: c.82609_82615del, p.Arg27537fs (NM_001256850.1); c.60337_60343del, p.Arg20113fs (NM_003319.4); c.79828_79834del, p.Arg26610fs (NM_133378.4); c.60712_60718del, p.Arg20238fs (NM_133432.3); c.60913_60919del, p.Arg20305fs (NM_133437.4); short protein forms R20305fs, R26610fs, R27537fs, R20113fs, R20238fs, R29178fs.
Identifiers: ClinVar variation 1485157 (VCV001485157.8), dbSNP rs2154155943, ClinGen allele CA2573134141.
Genomic context (GRCh38, chr2:178,557,815, plus strand): 5'-ATGACTTTCATCATGGTTCTTGCAACTGTTGCAGACACTTCAGTCCACACTGCAGTACTT[GTTTCTCT>G]TTTGAGTAGAATGTAGTTGGTAACTTGACTTCCACCGTCATACTTAGGTGGCTCCCATTT-3'

ClinVar aggregate classification (germline): Likely pathogenic (1 of 4 stars; one submission).

Conditions:
Dilated cardiomyopathy 1G (CMD1G). Identifiers: Orphanet 154, MedGen C1858763, MONDO:0011400, OMIM 604145.
Autosomal recessive limb-girdle muscular dystrophy type 2J (LGMDR10). Also called: Limb-girdle muscular dystrophy, type 2J; MUSCULAR DYSTROPHY, LIMB-GIRDLE, AUTOSOMAL RECESSIVE 10. Identifiers: Orphanet 140922, MedGen C1837342, MONDO:0012127, OMIM 608807.

Submission:

Labcorp Genetics (formerly Invitae), Labcorp
Classification: Likely pathogenic for Dilated cardiomyopathy 1G; Autosomal recessive limb-girdle muscular dystrophy type 2J. Last evaluated: 2021-09-03. Review status: criteria provided, single submitter. Criteria: Invitae Variant Classification Sherloc (09022015). Collection method: clinical testing. Allele origin: germline.
Comment: This variant has not been reported in the literature in individuals with TTN-related conditions. This sequence change creates a premature translational stop signal (p.Arg29178Glnfs*17) in the TTN gene. While this is not anticipated to result in nonsense mediated decay, it is expected to create a truncated TTN protein. This variant is not present in population databases (ExAC no frequency). This variant is located in the A band of TTN (PMID: 25589632). Truncating variants in this region are significantly overrepresented in patients affected with dilated cardiomyopathy (PMID: 25589632). Truncating variants in this region have also been reported in individuals affected with autosomal recessive centronuclear myopathy (PMID: 23975875). In summary, the currently available evidence indicates that the variant is pathogenic, but additional data are needed to prove that conclusively. Therefore, this variant has been classified as Likely Pathogenic.

Literature cited by the submitters: PubMed 25589632; PubMed 23975875.